The following is an entry in ClinVar:

ClinVar aggregate classification (germline): Benign/Likely benign. Review status: criteria provided, multiple submitters, no conflicts (2 of 4 stars). 6 submissions from 6 submitters: Benign (1); Likely benign (5). Last evaluated 2025-12-20.

Conditions:
MHC class II deficiency. Also called: BLS, TYPE II; Bare lymphocyte syndrome 2. Identifiers: Orphanet 572, MedGen C5447452, MONDO:0008855.

Allele frequency attached by ClinVar (database versions not stated): gnomAD 0.00016 and 0.00027; TOPMed 0.00032; ExAC 0.00045; 1000 Genomes Project 30x 0.00141; 1000 Genomes Project 0.00160.
gnomAD v4.1: 554 of 1,614,118 alleles (0.034%); highest among the groups gnomAD compares: East Asian, 1.2%; 6 homozygotes.

Submissions (6):

Labcorp Genetics (formerly Invitae), Labcorp
Classification: Benign for MHC class II deficiency. Last evaluated: 2025-12-20. Review status: criteria provided, single submitter. Criteria: Invitae Variant Classification Sherloc (09022015). Collection method: clinical testing. Allele origin: germline.

Blueprint Genetics
Classification: Likely benign. Last evaluated: 2023-10-06. Review status: criteria provided, single submitter. Criteria: ACMG Guidelines, 2015. Collection method: clinical testing. Allele origin: germline.

CeGaT Center for Human Genetics Tuebingen
Classification: Likely benign. Last evaluated: 2023-10-01. Review status: criteria provided, single submitter. Criteria: CeGaT Center For Human Genetics Tuebingen Variant Classification Criteria Version 2. Collection method: clinical testing. Allele origin: germline. Affected: yes. Observed: 1 variant allele.
Comment: RFX5: BP4, BP7

Genome-Nilou Lab
Classification: Likely benign for MHC class II deficiency 1. Last evaluated: 2023-04-11. Review status: criteria provided, single submitter. Criteria: ACMG Guidelines, 2015. Collection method: clinical testing. Allele origin: germline. Affected: no.

Illumina Laboratory Services, Illumina
Classification: Likely benign for MHC class II deficiency 1. Last evaluated: 2018-01-13. Review status: criteria provided, single submitter. Criteria: ICSL Variant Classification Criteria 13 December 2019. Collection method: clinical testing. Allele origin: germline.
Comment: This variant was observed in the ICSL laboratory as part of a predisposition screen in an ostensibly healthy population. It had not been previously curated by ICSL or reported in the Human Gene Mutation Database (HGMD: prior to June 1st, 2018), and was therefore a candidate for classification through an automated scoring system. Utilizing variant allele frequency, disease prevalence and penetrance estimates, and inheritance mode, an automated score was calculated to assess if this variant is too frequent to cause the disease. Based on the score and internal cut-off values, a variant classified as likely benign is not then subjected to further curation. The score for this variant resulted in a classification of likely benign for this disease.

Breakthrough Genomics
Classification: Likely benign. Review status: criteria provided, single submitter. Criteria: ACMG Guidelines, 2015. Collection method: not provided. Allele origin: germline. Inheritance: Autosomal recessive inheritance. Affected: yes.

NM_001025603.2(RFX5):c.1569G>A (p.Glu523=)

Gene: RFX5 (regulatory factor X5; minus strand). Cytogenetic location: 1q21.3.
Variant type: single nucleotide variant.
Coding change: c.1569G>A on transcript NM_001025603.2 (MANE Select); coding-DNA position 1569, G replaced by A.
Protein change: p.Glu523=; no amino-acid change (glutamic acid 523 retained).
Molecular consequence: synonymous variant.
Genome position (GRCh38, 1-based): chr1:151,342,468, C>T on the plus strand (G>A on the coding strand, the complement: RFX5 is on the minus strand). VCF-style: chr1-151342468-C-T. GRCh37 (hg19) VCF-style: chr1-151314944-C-T.
Other names: c.1569G>A, p.Glu523= (NM_000449.4, NM_001379412.1, NM_001379413.1 and 5 more transcripts); c.1449G>A, p.Glu483= (NM_001379419.1, NM_001379420.1).
Identifiers: ClinVar variation 732028 (VCV000732028.42), dbSNP rs137968641, ClinGen allele CA1089575.